The following is an entry in ClinVar:

NM_000722.4(CACNA2D1):c.2713C>T (p.Arg905Cys)

Gene: CACNA2D1 (calcium voltage-gated channel auxiliary subunit alpha2delta 1; minus strand). Cytogenetic location: 7q21.11.
Variant type: single nucleotide variant.
Coding change: c.2713C>T on transcript NM_000722.4 (MANE Select); coding-DNA position 2713, C replaced by T.
Protein change: p.Arg905Cys; replaces arginine 905 with cysteine.
Molecular consequence: missense variant.
Genome position (GRCh38, 1-based): chr7:81,964,221, G>A on the plus strand (C>T on the coding strand, the complement: CACNA2D1 is on the minus strand). VCF-style: chr7-81964221-G-A. GRCh37 (hg19) VCF-style: chr7-81593537-G-A.
Other names: c.2749C>T, p.Arg917Cys (NM_001366867.1); short protein forms R917C, R905C.
Identifiers: ClinVar variation 1900104 (VCV001900104.9), dbSNP rs1235710029, ClinGen allele CA367884681.

ClinVar aggregate classification (germline): Uncertain significance. Review status: criteria provided, multiple submitters, no conflicts (2 of 4 stars). 2 submissions from 2 submitters: Uncertain significance (2). Last evaluated 2025-04-17.

Conditions:
Cardiovascular phenotype. Identifiers: MedGen CN230736.
Brugada syndrome. Also called: Sudden unexpected nocturnal death syndrome; Sudden unexplained nocturnal death syndrome; Sudden Unexplained Death Syndrome; Sudden Unexplained Nocturnal Death Syndrome (SUNDS). Identifiers: Orphanet 130, MedGen C1142166, MONDO:0015263.

Allele frequency attached by ClinVar (database versions not stated): gnomAD 0.00001; gnomAD exomes 0.00001.
gnomAD v4.1: 6 of 1,612,630 alleles (0.00037%); highest among the groups gnomAD compares: East Asian, 0.0022%; no homozygotes.

Submissions (2):

Ambry Genetics
Classification: Uncertain significance for Cardiovascular phenotype. Last evaluated: 2025-04-17. Review status: criteria provided, single submitter. Criteria: Ambry Variant Classification Scheme 2023. Collection method: clinical testing. Allele origin: germline.

Labcorp Genetics (formerly Invitae), Labcorp
Classification: Uncertain significance for Brugada syndrome. Last evaluated: 2023-09-30. Review status: criteria provided, single submitter. Criteria: Invitae Variant Classification Sherloc (09022015). Collection method: clinical testing. Allele origin: germline.
Comment: This sequence change replaces arginine, which is basic and polar, with cysteine, which is neutral and slightly polar, at codon 905 of the CACNA2D1 protein (p.Arg905Cys). This variant is present in population databases (no rsID available, gnomAD 0.0009%). This variant has not been reported in the literature in individuals affected with CACNA2D1-related conditions. ClinVar contains an entry for this variant (Variation ID: 1900104). An algorithm developed to predict the effect of missense changes on protein structure and function (PolyPhen-2) suggests that this variant is likely to be disruptive. In summary, the available evidence is currently insufficient to determine the role of this variant in disease. Therefore, it has been classified as a Variant of Uncertain Significance.